The following is an entry in ClinVar:

ClinVar aggregate classification (germline): Uncertain significance (1 of 4 stars; one submission).

Conditions:
Lower motor neuron syndrome with late-adult onset (SMAJ). Also called: Spinal muscular atrophy, Jokela type; Late-Onset Spinal Motor Neuronopathy (SMAJ). Identifiers: Orphanet 276435, MedGen C3554398, MONDO:0014025, OMIM 615048.
Frontotemporal dementia and/or amyotrophic lateral sclerosis 2. Also called: FTDALS2. Identifiers: Orphanet 275872, MedGen C4014648, MONDO:0014395, OMIM 615911.
Autosomal dominant mitochondrial myopathy with exercise intolerance (IMMD). Also called: Myopathy, isolated mitochondrial, autosomal dominant. Identifiers: Orphanet 457050, MedGen C4015513, MONDO:0014532, OMIM 616209.

Submission:

Labcorp Genetics (formerly Invitae), Labcorp
Classification: Uncertain significance for Lower motor neuron syndrome with late-adult onset; Frontotemporal dementia and/or amyotrophic lateral sclerosis 2; Autosomal dominant mitochondrial myopathy with exercise intolerance. Last evaluated: 2021-08-06. Review status: criteria provided, single submitter. Criteria: Invitae Variant Classification Sherloc (09022015). Collection method: clinical testing. Allele origin: germline.
Comment: In summary, the available evidence is currently insufficient to determine the role of this variant in disease. Therefore, it has been classified as a Variant of Uncertain Significance. Algorithms developed to predict the effect of sequence changes on RNA splicing suggest that this variant may create or strengthen a splice site, but this prediction has not been confirmed by published transcriptional studies. This variant has not been reported in the literature in individuals with CHCHD10-related conditions. This variant is not present in population databases (ExAC no frequency). This sequence change affects the initiator methionine of the CHCHD10 mRNA. The next in-frame methionine is located at codon 45.

NM_213720.3(CHCHD10):c.2T>G (p.Met1Arg)

Gene: CHCHD10 (coiled-coil-helix-coiled-coil-helix domain containing 10; minus strand). Cytogenetic location: 22q11.23.
Variant type: single nucleotide variant.
Coding change: c.2T>G on transcript NM_213720.3 (MANE Select); coding-DNA position 2, T replaced by G.
Protein change: p.Met1Arg; changes the start codon (methionine 1).
Molecular consequence: missense variant, initiator codon variant. On other transcripts: non-coding transcript variant (2).
Genome position (GRCh38, 1-based): chr22:23,767,873, A>C on the plus strand (T>G on the coding strand, the complement: CHCHD10 is on the minus strand). VCF-style: chr22-23767873-A-C. GRCh37 (hg19) VCF-style: chr22-24110060-A-C.
Other names: c.2T>G, p.Met1Arg (NM_001301339.2); short protein forms M1R.
Identifiers: ClinVar variation 1000426 (VCV001000426.9), dbSNP rs1926995828, ClinGen allele CA410917533.
Genomic context (GRCh38, chr22:23,767,873, plus strand): 5'-GGGCCCTTGTCCCCCTCACACCTGGCTGGCCGGGAGGCCGCGCTGCGGCTTCCCCGAGGC[A>C]TGGTGGCGGCGGTGGGACCCGGGCGACCTTAGAGACGGCGGCAGCGGTGCTGTCGCGGGG-3'
Protein context (NP_998885.1, residues 1-11): [Met1Arg]PRGSRSAASR